The following is an entry in ClinVar:

NM_001330723.2(SNX27):c.446C>T (p.Ser149Leu)

Gene: SNX27 (sorting nexin 27; plus strand). Cytogenetic location: 1q21.3.
Variant type: single nucleotide variant.
Coding change: c.446C>T on transcript NM_001330723.2 (MANE Select); coding-DNA position 446, C replaced by T.
Protein change: p.Ser149Leu; replaces serine 149 with leucine.
Molecular consequence: missense variant.
Genome position (GRCh38, 1-based): chr1:151,639,022, C>T. VCF-style: chr1-151639022-C-T. GRCh37 (hg19) VCF-style: chr1-151611498-C-T.
Other names: c.446C>T, p.Ser149Leu (NM_030918.6); short protein forms S149L.
Identifiers: ClinVar variation 1974486 (VCV001974486.2), dbSNP rs763230341, ClinGen allele CA30511880.
Genomic context (GRCh38, chr1:151,639,022, plus strand): 5'-TCTTGACAGTGTTATCTGTACCTCCTCATGAGGCAGATAACCTAGATCCCAGTGACGACT[C>T]GTTGGGACAATCATTTTATGATTACACAGAAAAGCAAGCAGTGCCCATATCGGTCCCCAG-3'
Protein context (NP_001317652.1, residues 139-159): EADNLDPSDD[Ser149Leu]LGQSFYDYTE

ClinVar aggregate classification (germline): Uncertain significance (1 of 4 stars; one submission).

Conditions:
Severe myoclonic epilepsy in infancy (DRVT). Also called: Epileptic encephalopathy, early infantile, 6 (Dravet syndrome); SEVERE MYOCLONIC EPILEPSY OF INFANCY; DEVELOPMENTAL AND EPILEPTIC ENCEPHALOPATHY 6A; Severe Myoclonic Epilepsy in Infancy (SMEI); Dravet syndrome. Identifiers: Orphanet 33069, MedGen C0751122, MONDO:0100135, OMIM 607208.

Allele frequency attached by ClinVar (database versions not stated): gnomAD exomes 0.00001; gnomAD 0.00002; TOPMed 0.00002.
gnomAD v4.1: 22 of 1,614,008 alleles (0.0014%); highest among the groups gnomAD compares: Middle Eastern, 0.033%; no homozygotes.

Submission:

Labcorp Genetics (formerly Invitae), Labcorp
Classification: Uncertain significance for Severe myoclonic epilepsy in infancy. Last evaluated: 2022-05-30. Review status: criteria provided, single submitter. Criteria: Invitae Variant Classification Sherloc (09022015). Collection method: clinical testing. Allele origin: germline.
Comment: This sequence change replaces serine, which is neutral and polar, with leucine, which is neutral and non-polar, at codon 149 of the SNX27 protein (p.Ser149Leu). This variant is present in population databases (rs763230341, gnomAD no frequency). This variant has not been reported in the literature in individuals affected with SNX27-related conditions. Algorithms developed to predict the effect of missense changes on protein structure and function (SIFT, PolyPhen-2, Align-GVGD) all suggest that this variant is likely to be tolerated. In summary, the available evidence is currently insufficient to determine the role of this variant in disease. Therefore, it has been classified as a Variant of Uncertain Significance.